The following is an entry in ClinVar:

ClinVar aggregate classification (germline): Pathogenic (1 of 4 stars; one submission).

Conditions:
Deficiency of mevalonate kinase. Also called: Mevalonate kinase deficiency. Identifiers: Orphanet 309025, MedGen C0342731, MONDO:0017708.

Submission:

Myriad Genetics, Inc.
Classification: Pathogenic for Deficiency of mevalonate kinase. Last evaluated: 2025-02-20. Review status: criteria provided, single submitter. Criteria: Myriad Autosomal Dominant, Autosomal Recessive and X-Linked Classification Criteria (2023). Collection method: clinical testing. Allele origin: unknown.
Comment: NM_000431.2(MVK):c.348C>G(Y116*) is expected to be pathogenic in the context of mevalonate kinase deficiency. This variant is predicted to lead to an abnormal or absent protein product due to the creation of a premature termination codon in MVK, a gene where loss-of-function variants are known to be pathogenic. Please note: this variant was assessed in the context of healthy population screening.

NM_000431.4(MVK):c.348C>G (p.Tyr116Ter)

Gene: MVK (mevalonate kinase; plus strand). Cytogenetic location: 12q24.11.
Variant type: single nucleotide variant.
Coding change: c.348C>G on transcript NM_000431.4 (MANE Select); coding-DNA position 348, C replaced by G.
Protein change: p.Tyr116Ter; replaces tyrosine 116 with a stop codon.
Molecular consequence: nonsense. On other transcripts: 5 prime UTR variant (1), non-coding transcript variant (2).
Genome position (GRCh38, 1-based): chr12:109,579,923, C>G. VCF-style: chr12-109579923-C-G. GRCh37 (hg19) VCF-style: chr12-110017728-C-G.
Other names: c.348C>G, p.Tyr116Ter (NM_001114185.3, NM_001301182.2, NM_001414511.1 and 3 more transcripts); c.-235C>G (NM_001414515.1); short protein forms Y116*.
Identifiers: ClinVar variation 5014116 (VCV005014116.1).